The following is an entry in ClinVar:

ClinVar aggregate classification (germline): Benign. Review status: criteria provided, multiple submitters, no conflicts (2 of 4 stars). 5 submissions from 5 submitters: Benign (5). Last evaluated 2026-01-26.

Conditions:
Ectodermal dysplasia and immunodeficiency 2. Identifiers: Orphanet 238468, Orphanet 98813, MedGen C2677481, MONDO:0012806, OMIM 612132.

Allele frequency attached by ClinVar (database versions not stated): gnomAD exomes 0.36131; TOPMed 0.44145; gnomAD 0.44374 and 0.44653; 1000 Genomes Project 0.45567; 1000 Genomes Project 30x 0.46362.
gnomAD v4.1: 393,612 of 1,053,372 alleles (37%); highest among the groups gnomAD compares: African/African-American, 61%; 77,200 homozygotes.

Submissions (5):

Labcorp Genetics (formerly Invitae), Labcorp
Classification: Benign for Ectodermal dysplasia and immunodeficiency 2. Last evaluated: 2026-01-26. Review status: criteria provided, single submitter. Criteria: Invitae Variant Classification Sherloc (09022015). Collection method: clinical testing. Allele origin: germline.

Unidad de Genómica Garrahan, Hospital de Pediatría Garrahan
Classification: Benign. Last evaluated: 2024-01-24. Review status: criteria provided, single submitter. Criteria: ACMG Guidelines, 2015. Collection method: clinical testing. Allele origin: germline. Affected: no. Observed: 32 variant alleles.
Comment: This variant is classified as Benign based on local population frequency. This variant was detected in 34% of patients studied by a panel of primary immunodeficiencies. Number of patients: 32. Only high quality variants are reported.

GeneDx
Classification: Benign. Last evaluated: 2018-11-12. Review status: criteria provided, single submitter. Criteria: GeneDx Variant Classification Process June 2021. Collection method: clinical testing. Allele origin: germline. Affected: yes.
Comment: This variant is associated with the following publications: (PMID: 21738780, 23322360)

Illumina Laboratory Services, Illumina
Classification: Benign for Ectodermal dysplasia and immunodeficiency 2. Last evaluated: 2018-03-06. Review status: criteria provided, single submitter. Criteria: ICSL Variant Classification Criteria 13 December 2019. Collection method: clinical testing. Allele origin: germline.
Comment: This variant was observed in the ICSL laboratory as part of a predisposition screen in an ostensibly healthy population. It had not been previously curated by ICSL or reported in the Human Gene Mutation Database (HGMD: prior to June 1st, 2018), and was therefore a candidate for classification through an automated scoring system. Utilizing variant allele frequency, disease prevalence and penetrance estimates, and inheritance mode, an automated score was calculated to assess if this variant is too frequent to cause the disease. Based on the score and internal cut-off values, a variant classified as benign is not then subjected to further curation. The score for this variant resulted in a classification of benign for this disease.

Breakthrough Genomics
Classification: Benign. Review status: criteria provided, single submitter. Criteria: ACMG Guidelines, 2015. Collection method: not provided. Allele origin: germline. Inheritance: Autosomal dominant inheritance. Affected: yes.

NM_020529.3(NFKBIA):c.*126G>A

Gene: NFKBIA (NFKB inhibitor alpha; minus strand). Cytogenetic location: 14q13.2.
Variant type: single nucleotide variant.
Coding change: c.*126G>A on transcript NM_020529.3 (MANE Select); 126 bases downstream of the stop codon, G replaced by A.
Molecular consequence: 3 prime UTR variant.
Genome position (GRCh38, 1-based): chr14:35,401,887, C>T on the plus strand (G>A on the coding strand, the complement: NFKBIA is on the minus strand). VCF-style: chr14-35401887-C-T. GRCh37 (hg19) VCF-style: chr14-35871093-C-T.
Identifiers: ClinVar variation 313105 (VCV000313105.16), dbSNP rs696, ClinGen allele CA10645265.